The following is an entry in ClinVar:

NM_021008.4(DEAF1):c.704A>G (p.Tyr235Cys)

Gene: DEAF1 (DEAF1 transcription factor; minus strand). Cytogenetic location: 11p15.5.
Variant type: single nucleotide variant.
Coding change: c.704A>G on transcript NM_021008.4 (MANE Select); coding-DNA position 704, A replaced by G.
Protein change: p.Tyr235Cys; replaces tyrosine 235 with cysteine.
Molecular consequence: missense variant. On other transcripts: 5 prime UTR variant (4), intron variant (1).
Genome position (GRCh38, 1-based): chr11:686,958, T>C on the plus strand (A>G on the coding strand, the complement: DEAF1 is on the minus strand). VCF-style: chr11-686958-T-C. GRCh37 (hg19) VCF-style: chr11-686958-T-C.
Other names: c.-23A>G (NM_001367390.1, NM_001440885.1, NM_001440886.1 and 1 more transcripts); c.704A>G, p.Tyr235Cys (NM_001440883.1, NM_001440884.1); c.664+953A>G (NM_001293634.2); c.704A>G (NM_021008.2); short protein forms Y235C.
Identifiers: ClinVar variation 2186736 (VCV002186736.5), dbSNP rs2494448999, ClinGen allele CA378932622.
Genomic context (GRCh38, chr11:686,958, plus strand): 5'-CTTCTTTTCCAGTCCTTACTGCTGGCTCTTCCTGCCATGGCCTCAAACTCGGTGGGACTG[T>C]ACCAGTTCTCCCCCTGCTTGATGCACCGTCCCCGGCCGCCTGCAAGGAAGGGCAGCAGTC-3'
Protein context (NP_066288.2, residues 225-245): GRCIKQGENW[Tyr235Cys]SPTEFEAMAG

ClinVar aggregate classification (germline): Uncertain significance. Review status: criteria provided, multiple submitters, no conflicts (2 of 4 stars). 2 submissions from 2 submitters: Uncertain significance (2). Last evaluated 2025-08-25.

Conditions:
Inborn genetic diseases. Identifiers: MedGen C0950123, MeSH D030342.

Submissions (2):

Ambry Genetics
Classification: Uncertain significance for Inborn genetic diseases. Last evaluated: 2025-08-25. Review status: criteria provided, single submitter. Criteria: Ambry Variant Classification Scheme 2023. Collection method: clinical testing. Allele origin: germline.

Labcorp Genetics (formerly Invitae), Labcorp
Classification: Uncertain significance. Last evaluated: 2025-08-25. Review status: criteria provided, single submitter. Criteria: Invitae Variant Classification Sherloc (09022015). Collection method: clinical testing. Allele origin: germline.
Comment: This sequence change replaces tyrosine, which is neutral and polar, with cysteine, which is neutral and slightly polar, at codon 235 of the DEAF1 protein (p.Tyr235Cys). This variant is not present in population databases (gnomAD no frequency). This variant has not been reported in the literature in individuals affected with DEAF1-related conditions. ClinVar contains an entry for this variant (Variation ID: 2186736). Invitae Evidence Modeling of protein sequence and biophysical properties (such as structural, functional, and spatial information, amino acid conservation, physicochemical variation, residue mobility, and thermodynamic stability) has been performed for this missense variant. However, the output from this modeling did not meet the statistical confidence thresholds required to predict the impact of this variant on DEAF1 protein function. In summary, the available evidence is currently insufficient to determine the role of this variant in disease. Therefore, it has been classified as a Variant of Uncertain Significance.